The following is an entry in ClinVar:

NM_004360.5(CDH1):c.166A>G (p.Asn56Asp)

Gene: CDH1 (cadherin 1; plus strand). Cytogenetic location: 16q22.1.
Variant type: single nucleotide variant.
Coding change: c.166A>G on transcript NM_004360.5 (MANE Select); coding-DNA position 166, A replaced by G.
Protein change: p.Asn56Asp; replaces asparagine 56 with aspartic acid.
Molecular consequence: missense variant. On other transcripts: 5 prime UTR variant (2).
Genome position (GRCh38, 1-based): chr16:68,801,672, A>G. VCF-style: chr16-68801672-A-G. GRCh37 (hg19) VCF-style: chr16-68835575-A-G.
Other names: c.166A>G (LRG_301t1); c.166A>G, p.Asn56Asp (NM_001317184.2); c.-1450A>G (NM_001317185.2); c.-1654A>G (NM_001317186.2); short protein forms N56D.
Identifiers: ClinVar variation 406636 (VCV000406636.11), dbSNP rs1060501227, ClinGen allele CA16615356.

ClinVar aggregate classification (germline): Uncertain significance (1 of 4 stars; one submission).

Conditions:
Hereditary diffuse gastric adenocarcinoma (HDGC). Also called: DIFFUSE GASTRIC AND LOBULAR BREAST CANCER SYNDROME. Identifiers: Orphanet 26106, MedGen C1708349, MONDO:0007648, OMIM 137215.

Submission:

Labcorp Genetics (formerly Invitae), Labcorp
Classification: Uncertain significance for Hereditary diffuse gastric adenocarcinoma. Last evaluated: 2025-10-26. Review status: criteria provided, single submitter. Criteria: Invitae Variant Classification Sherloc (09022015). Collection method: clinical testing. Allele origin: germline.
Comment: This sequence change replaces asparagine, which is neutral and polar, with aspartic acid, which is acidic and polar, at codon 56 of the CDH1 protein (p.Asn56Asp). This variant is not present in population databases (gnomAD no frequency). This variant has not been reported in the literature in individuals affected with CDH1-related conditions. ClinVar contains an entry for this variant (Variation ID: 406636). An algorithm developed to predict the effect of missense changes on protein structure and function (PolyPhen-2) suggests that this variant is likely to be tolerated. In summary, the available evidence is currently insufficient to determine the role of this variant in disease. Therefore, it has been classified as a Variant of Uncertain Significance.